The following is an entry in ClinVar:

NM_002017.5(FLI1):c.751A>G (p.Ser251Gly)

Gene: FLI1 (Fli-1 proto-oncogene, ETS transcription factor; plus strand). Cytogenetic location: 11q24.3.
Variant type: single nucleotide variant.
Coding change: c.751A>G on transcript NM_002017.5 (MANE Select); coding-DNA position 751, A replaced by G.
Protein change: p.Ser251Gly; replaces serine 251 with glycine.
Molecular consequence: missense variant.
Genome position (GRCh38, 1-based): chr11:128,807,209, A>G. VCF-style: chr11-128807209-A-G. GRCh37 (hg19) VCF-style: chr11-128677104-A-G.
Other names: c.172A>G, p.Ser58Gly (NM_001271012.2); c.652A>G, p.Ser218Gly (NM_001167681.3); c.553A>G, p.Ser185Gly (NM_001271010.2); short protein forms S218G, S185G, S58G, S251G.
Identifiers: ClinVar variation 3687465 (VCV003687465.2).
Genomic context (GRCh38, chr11:128,807,209, plus strand): 5'-ACTCACTGCATTTCTTTCCCTCTTGCCACAGGTCCTCCCCTTGGAGGGGCACAAACGATC[A>G]GTAAGAATACAGAGCAACGGCCCCAGCCAGGTACCTGCCCAGGATATGTAATCTCTCCTT-3'
Protein context (NP_002008.2, residues 241-261): SPPLGGAQTI[Ser251Gly]KNTEQRPQPD

ClinVar aggregate classification (germline): Uncertain significance (1 of 4 stars; one submission).

gnomAD v4.1: 27 of 1,600,360 alleles (0.0017%); highest among the groups gnomAD compares: Admixed American, 0.0052%; no homozygotes.

Submission:

Labcorp Genetics (formerly Invitae), Labcorp
Classification: Uncertain significance. Last evaluated: 2024-08-20. Review status: criteria provided, single submitter. Criteria: Invitae Variant Classification Sherloc (09022015). Collection method: clinical testing. Allele origin: germline.
Comment: This sequence change replaces serine, which is neutral and polar, with glycine, which is neutral and non-polar, at codon 251 of the FLI1 protein (p.Ser251Gly). This variant is not present in population databases (gnomAD no frequency). This variant has not been reported in the literature in individuals affected with FLI1-related conditions. Invitae Evidence Modeling of protein sequence and biophysical properties (such as structural, functional, and spatial information, amino acid conservation, physicochemical variation, residue mobility, and thermodynamic stability) indicates that this missense variant is not expected to disrupt FLI1 protein function with a negative predictive value of 80%. Algorithms developed to predict the effect of sequence changes on RNA splicing suggest that this variant may disrupt the consensus splice site. In summary, the available evidence is currently insufficient to determine the role of this variant in disease. Therefore, it has been classified as a Variant of Uncertain Significance.